The following is an entry in ClinVar:

NM_001377530.1(DMBT1):c.1434C>T (p.Thr478=)

Gene: DMBT1 (deleted in malignant brain tumors 1; plus strand). Cytogenetic location: 10q26.13.
Variant type: single nucleotide variant.
Coding change: c.1434C>T on transcript NM_001377530.1 (MANE Select); coding-DNA position 1434, C replaced by T.
Protein change: p.Thr478=; no amino-acid change (threonine 478 retained).
Molecular consequence: synonymous variant. On other transcripts: intron variant (1).
Genome position (GRCh38, 1-based): chr10:122,585,284, C>T. VCF-style: chr10-122585284-C-T. GRCh37 (hg19) VCF-style: chr10-124344800-C-T.
Other names: c.1434C>T, p.Thr478= (NM_001320644.2, NM_007329.3); c.1404C>T, p.Thr468= (NM_017579.3); c.1420+933C>T (NM_004406.3).
Identifiers: ClinVar variation 3049651 (VCV003049651.2), dbSNP rs1591296704, ClinGen allele CA471677723.

ClinVar aggregate classification (germline): Likely benign (0 of 4 stars; one submission).

Conditions:
DMBT1-related disorder. Also called: DMBT1-related condition.

Submission:

PreventionGenetics, part of Exact Sciences
Classification: Likely benign for DMBT1-related condition. Last evaluated: 2019-07-12. Review status: no assertion criteria provided. Collection method: clinical testing. Allele origin: germline.
Comment: This variant is classified as likely benign based on ACMG/AMP sequence variant interpretation guidelines (Richards et al. 2015 PMID: 25741868, with internal and published modifications).